The following is an entry in ClinVar:

ClinVar aggregate classification (germline): Conflicting classifications of pathogenicity. Review status: criteria provided, conflicting classifications (1 of 4 stars). 6 submissions from 6 submitters: Uncertain significance (2); Likely benign (3). 1 of the submissions does not count toward it. Last evaluated 2025-04-09.

Conditions:
Dilated cardiomyopathy 1G (CMD1G). Identifiers: Orphanet 154, MedGen C1858763, MONDO:0011400, OMIM 604145.
Autosomal recessive limb-girdle muscular dystrophy type 2J (LGMDR10). Also called: Limb-girdle muscular dystrophy, type 2J; MUSCULAR DYSTROPHY, LIMB-GIRDLE, AUTOSOMAL RECESSIVE 10. Identifiers: Orphanet 140922, MedGen C1837342, MONDO:0012127, OMIM 608807.
TTN-related disorder. Also called: TTN-related condition; TTN-related disease; TTN-related disorders.
Cardiovascular phenotype. Identifiers: MedGen CN230736.

Allele frequency attached by ClinVar (database versions not stated): ExAC 0.00008; gnomAD 0.00010; gnomAD exomes 0.00007; ESP Exome Variant Server 0.00017; TOPMed 0.00018; 1000 Genomes Project 0.00040; 1000 Genomes Project 30x 0.00031.
gnomAD v4.1: 173 of 1,601,940 alleles (0.011%); highest among the groups gnomAD compares: African/African-American, 0.043%; no homozygotes.

Submissions (6):

Molecular Diagnostic Laboratory for Inherited Cardiovascular Disease, Montreal Heart Institute
Classification: Likely benign. Last evaluated: 2025-04-09. Review status: criteria provided, single submitter. Criteria: ACMG Guidelines, 2015. Collection method: clinical testing. Allele origin: germline. Affected: no.

Revvity Omics, Revvity
Classification: Uncertain significance. Last evaluated: 2024-08-29. Review status: criteria provided, single submitter. Criteria: ACMG Guidelines, 2015. Collection method: clinical testing. Allele origin: germline.

GeneDx
Classification: Likely benign. Last evaluated: 2020-08-05. Review status: criteria provided, single submitter. Criteria: GeneDx Variant Classification Process June 2021. Collection method: clinical testing. Allele origin: germline. Affected: yes.

Labcorp Genetics (formerly Invitae), Labcorp
Classification: Uncertain significance for Dilated cardiomyopathy 1G; Autosomal recessive limb-girdle muscular dystrophy type 2J. Last evaluated: 2017-06-19. Review status: criteria provided, single submitter. Criteria: Invitae Variant Classification Sherloc (09022015). Collection method: clinical testing. Allele origin: germline.

Ambry Genetics
Classification: Likely benign for Cardiovascular phenotype. Last evaluated: 2013-01-08. Review status: criteria provided, single submitter. Criteria: Ambry Autosomal Dominant and X-Linked criteria (10/2015). Collection method: clinical testing. Allele origin: germline. Observed: 1 variant allele.

PreventionGenetics, part of Exact Sciences
Classification: Uncertain significance for TTN-related condition. Last evaluated: 2024-08-21. Review status: no assertion criteria provided. Collection method: clinical testing. Allele origin: germline. Not counted in ClinVar's aggregate classification.
Comment: The TTN c.25937G>A variant is predicted to result in the amino acid substitution p.Arg8646His. To our knowledge, this variant has not been reported in the literature. This variant is reported in 0.042% of alleles in individuals of African descent in gnomAD. Although we suspect that this variant may be benign, at this time, the clinical significance of this variant is uncertain due to the absence of conclusive functional and genetic evidence.

NM_001267550.2(TTN):c.25937G>A (p.Arg8646His)

Gene: TTN (titin; minus strand). Cytogenetic location: 2q31.2.
Variant type: single nucleotide variant.
Coding change: c.25937G>A on transcript NM_001267550.2 (MANE Select); coding-DNA position 25937, G replaced by A.
Protein change: p.Arg8646His; replaces arginine 8646 with histidine.
Molecular consequence: missense variant. On other transcripts: intron variant (3).
Genome position (GRCh38, 1-based): chr2:178,715,249, C>T on the plus strand (G>A on the coding strand, the complement: TTN is on the minus strand). VCF-style: chr2-178715249-C-T. GRCh37 (hg19) VCF-style: chr2-179579976-C-T.
Other names: c.24986G>A, p.Arg8329His (NM_001256850.1); c.22205G>A, p.Arg7402His (NM_133378.4); c.13282+22833G>A (NM_003319.4); c.13858+22833G>A (NM_133437.4); c.13657+22833G>A (NM_133432.3); short protein forms R7402H, R8646H, R8329H.
Identifiers: ClinVar variation 263481 (VCV000263481.12), dbSNP rs144587343, ClinGen allele CA2000097.